The following is an entry in ClinVar:

ClinVar aggregate classification (germline): Uncertain significance (1 of 4 stars; one submission).

Conditions:
Inborn genetic diseases. Identifiers: MedGen C0950123, MeSH D030342.

Submission:

Ambry Genetics
Classification: Uncertain significance for Inborn genetic diseases. Last evaluated: 2021-10-25. Review status: criteria provided, single submitter. Criteria: Ambry Variant Classification Scheme 2023. Collection method: clinical testing. Allele origin: germline.
Comment: The p.F118L variant (also known as c.354C>A), located in coding exon 3 of the EPAS1 gene, results from a C to A substitution at nucleotide position 354. The phenylalanine at codon 118 is replaced by leucine, an amino acid with highly similar properties. This amino acid position is conserved. In addition, this alteration is predicted to be tolerated by in silico analysis. Since supporting evidence is limited at this time, the clinical significance of this alteration remains unclear.

NM_001430.5(EPAS1):c.354C>A (p.Phe118Leu)

Gene: EPAS1 (endothelial PAS domain protein 1; plus strand). Cytogenetic location: 2p21.
Variant type: single nucleotide variant.
Coding change: c.354C>A on transcript NM_001430.5 (MANE Select); coding-DNA position 354, C replaced by A.
Protein change: p.Phe118Leu; replaces phenylalanine 118 with leucine.
Molecular consequence: missense variant.
Genome position (GRCh38, 1-based): chr2:46,356,287, C>A. VCF-style: chr2-46356287-C-A. GRCh37 (hg19) VCF-style: chr2-46583426-C-A.
Other names: short protein forms F118L.
Identifiers: ClinVar variation 1732558 (VCV001732558.2), dbSNP rs767974116, ClinGen allele CA346697963.